The following is an entry in ClinVar:

NM_006486.3(FBLN1):c.744C>T (p.Cys248=)

Gene: FBLN1 (fibulin 1; plus strand). Cytogenetic location: 22q13.31.
Variant type: single nucleotide variant.
Coding change: c.744C>T on transcript NM_006486.3 (MANE Select); coding-DNA position 744, C replaced by T.
Protein change: p.Cys248=; no amino-acid change (cysteine 248 retained).
Molecular consequence: synonymous variant.
Genome position (GRCh38, 1-based): chr22:45,533,858, C>T. VCF-style: chr22-45533858-C-T. GRCh37 (hg19) VCF-style: chr22-45929738-C-T.
Other names: c.744C>T, p.Cys248= (NM_001996.4, NM_006485.4, NM_006487.3).
Identifiers: ClinVar variation 4981328 (VCV004981328.1).

ClinVar aggregate classification (germline): Likely benign (1 of 4 stars; one submission).

Conditions:
FBLN1-related disorder. Also called: FBLN1-related condition.

gnomAD v4.1: 74 of 1,614,072 alleles (0.0046%); highest among the groups gnomAD compares: Admixed American, 0.037%; no homozygotes.

Submission:

PreventionGenetics, part of Exact Sciences
Classification: Likely benign for FBLN1-related condition. Last evaluated: 2025-11-03. Review status: criteria provided, single submitter. Criteria: ACMG Guidelines, 2015. Collection method: clinical testing. Allele origin: germline.
Comment: This variant is classified as likely benign based on ACMG/AMP sequence variant interpretation guidelines (Richards et al. 2015 PMID: 25741868, with internal and published modifications).